The following is an entry in ClinVar:

ClinVar aggregate classification (germline): Pathogenic (1 of 4 stars; one submission).

Submission:

Labcorp Genetics (formerly Invitae), Labcorp
Classification: Pathogenic. Last evaluated: 2024-01-16. Review status: criteria provided, single submitter. Criteria: Invitae Variant Classification Sherloc (09022015). Collection method: clinical testing. Allele origin: germline.
Comment: This sequence change creates a premature translational stop signal (p.Ser164*) in the CYP17A1 gene. It is expected to result in an absent or disrupted protein product. Loss-of-function variants in CYP17A1 are known to be pathogenic (PMID: 10720067, 14747197, 17192295, 20197673, 24140098). This variant is not present in population databases (gnomAD no frequency). This variant has not been reported in the literature in individuals affected with CYP17A1-related conditions. For these reasons, this variant has been classified as Pathogenic.

Literature cited by the submitters: PubMed 10720067; PubMed 14747197; PubMed 17192295; PubMed 20197673; PubMed 24140098.

NM_000102.4(CYP17A1):c.491_494del (p.Gln163_Ser164insTer)

Gene: CYP17A1 (cytochrome P450 family 17 subfamily A member 1; minus strand). Cytogenetic location: 10q24.32.
Variant type: Deletion.
Coding change: c.491_494del on transcript NM_000102.4 (MANE Select); coding-DNA positions 491 to 494, 4 bases deleted (CCAT; older notation c.491_494delCCAT).
Protein change: p.Gln163_Ser164insTer.
Molecular consequence: nonsense.
Genome position (GRCh38, 1-based): chr10:102,834,957-102,834,960, ATGG deleted on the plus strand (CCAT on the coding strand, the reverse complement: CYP17A1 is on the minus strand); deleting any 4 consecutive bases within chr10:102,834,957-102,834,961 gives the same sequence; the c. name uses the placement nearest the transcript's 3' end. VCF-style (leftmost placement, unchanged base first): chr10-102834956-TATGG-T. GRCh37 (hg19) VCF-style: chr10-104594713-TATGG-T.
Identifiers: ClinVar variation 2709618 (VCV002709618.3), dbSNP rs2493242138, ClinGen allele CA2697558735.
Genomic context (GRCh38, chr10:102,834,956, plus strand): 5'-ATTGAAGCAGATCAAGGAGATGACATTGGTTACCGCCACGAAGACAGGAAAGGAGATGTC[TATGG>T]ACTGTCCGTTGTGGGTGGCCAGCATATCACACAATGTACTGATTTCCTGACAAACTGAAG-3'